The following is an entry in ClinVar:

NM_001430.5(EPAS1):c.1104G>A (p.Met368Ile)

Gene: EPAS1 (endothelial PAS domain protein 1; plus strand). Cytogenetic location: 2p21.
Variant type: single nucleotide variant.
Coding change: c.1104G>A on transcript NM_001430.5 (MANE Select); coding-DNA position 1104, G replaced by A.
Protein change: p.Met368Ile; replaces methionine 368 with isoleucine.
Molecular consequence: missense variant.
Genome position (GRCh38, 1-based): chr2:46,376,608, G>A. VCF-style: chr2-46376608-G-A. GRCh37 (hg19) VCF-style: chr2-46603747-G-A.
Other names: p.Met368Ile; short protein forms M368I.
Identifiers: ClinVar variation 336260 (VCV000336260.41), dbSNP rs61757375, ClinGen allele CA1644886.

ClinVar aggregate classification (germline): Conflicting classifications of pathogenicity. Review status: criteria provided, conflicting classifications (1 of 4 stars). 8 submissions from 8 submitters: Uncertain significance (3); Benign (2); Likely benign (3). Last evaluated 2026-02-03.

Conditions:
Erythrocytosis, familial, 4 (ECYT4). Identifiers: Orphanet 247511, MedGen C2673187, MONDO:0012729, OMIM 611783.

Allele frequency attached by ClinVar (database versions not stated): 1000 Genomes Project 30x 0.00047; 1000 Genomes Project 0.00060; TOPMed 0.00063; gnomAD 0.00078; ExAC 0.00080; gnomAD exomes 0.00081 and 0.00124; ESP Exome Variant Server 0.00092.
gnomAD v4.1: 1,937 of 1,614,148 alleles (0.12%); highest among the groups gnomAD compares: Non-Finnish European, 0.15%; 2 homozygotes.

Submissions (8):

Labcorp Genetics (formerly Invitae), Labcorp
Classification: Likely benign. Last evaluated: 2026-02-03. Review status: criteria provided, single submitter. Criteria: Invitae Variant Classification Sherloc (09022015). Collection method: clinical testing. Allele origin: germline.

CeGaT Center for Human Genetics Tuebingen
Classification: Benign. Last evaluated: 2025-12-01. Review status: criteria provided, single submitter. Criteria: CeGaT Center For Human Genetics Tuebingen Variant Classification Criteria Version 2. Collection method: clinical testing. Allele origin: germline. Affected: yes. Observed: 3 variant alleles.
Comment: EPAS1: BS1, BS2

Center for Genomic Medicine, Rigshospitalet, Copenhagen University Hospital
Classification: Uncertain significance. Last evaluated: 2025-03-04. Review status: criteria provided, single submitter. Criteria: ACMG Guidelines, 2015. Collection method: clinical testing. Allele origin: germline.

Blueprint Genetics
Classification: Likely benign. Last evaluated: 2024-10-07. Review status: criteria provided, single submitter. Criteria: ACMG Guidelines, 2015. Collection method: clinical testing. Allele origin: germline.

Mayo Clinic Laboratories, Mayo Clinic
Classification: Uncertain significance. Last evaluated: 2024-03-22. Review status: criteria provided, single submitter. Criteria: ACMG Guidelines, 2015. Collection method: clinical testing. Allele origin: germline. Observed: 1 variant allele.
Comment: BP4

ARUP Laboratories, Molecular Genetics and Genomics, ARUP Laboratories
Classification: Likely benign for Erythrocytosis, familial, 4. Last evaluated: 2023-03-01. Review status: criteria provided, single submitter. Criteria: ARUP Molecular Germline Variant Investigation Process 2024. Collection method: clinical testing. Allele origin: germline.

GeneDx
Classification: Uncertain significance. Last evaluated: 2022-01-05. Review status: criteria provided, single submitter. Criteria: GeneDx Variant Classification Process June 2021. Collection method: clinical testing. Allele origin: germline. Affected: yes.
Comment: In silico analysis supports that this missense variant does not alter protein structure/function; Has not been previously published as a pathogenic or benign germline variant to our knowledge; This variant is associated with the following publications: (PMID: 33114456, 24741025)

Illumina Laboratory Services, Illumina
Classification: Benign for Erythrocytosis, familial, 4. Last evaluated: 2018-01-12. Review status: criteria provided, single submitter. Criteria: ICSL Variant Classification Criteria 13 December 2019. Collection method: clinical testing. Allele origin: germline.
Comment: This variant was observed in the ICSL laboratory as part of a predisposition screen in an ostensibly healthy population. It had not been previously curated by ICSL or reported in the Human Gene Mutation Database (HGMD: prior to June 1st, 2018), and was therefore a candidate for classification through an automated scoring system. Utilizing variant allele frequency, disease prevalence and penetrance estimates, and inheritance mode, an automated score was calculated to assess if this variant is too frequent to cause the disease. Based on the score and internal cut-off values, a variant classified as benign is not then subjected to further curation. The score for this variant resulted in a classification of benign for this disease.

Literature cited by the submitters: PubMed 33114456 (cited by Center for Genomic Medicine, Rigshospitalet, Copenhagen University Hospital); PubMed 24741025 (cited by Mayo Clinic Laboratories, Mayo Clinic).